The following is an entry in ClinVar:

ClinVar aggregate classification (germline): Uncertain significance (1 of 4 stars; one submission).

gnomAD v4.1: 12 of 1,613,466 alleles (0.00074%); highest among the groups gnomAD compares: Non-Finnish European, 0.001%; no homozygotes.

Submission:

Labcorp Genetics (formerly Invitae), Labcorp
Classification: Uncertain significance. Last evaluated: 2022-04-06. Review status: criteria provided, single submitter. Criteria: Invitae Variant Classification Sherloc (09022015). Collection method: clinical testing. Allele origin: germline.
Comment: In summary, the available evidence is currently insufficient to determine the role of this variant in disease. Therefore, it has been classified as a Variant of Uncertain Significance. Algorithms developed to predict the effect of missense changes on protein structure and function are either unavailable or do not agree on the potential impact of this missense change (SIFT: "Deleterious"; PolyPhen-2: "Benign"; Align-GVGD: "Class C0"). This variant has not been reported in the literature in individuals affected with C6-related conditions. This variant is not present in population databases (gnomAD no frequency). This sequence change replaces asparagine, which is neutral and polar, with lysine, which is basic and polar, at codon 910 of the C6 protein (p.Asn910Lys).

NM_000065.5(C6):c.2730C>G (p.Asn910Lys)

Gene: C6 (complement C6; minus strand). Cytogenetic location: 5p13.1.
Variant type: single nucleotide variant.
Coding change: c.2730C>G on transcript NM_000065.5 (MANE Select); coding-DNA position 2730, C replaced by G.
Protein change: p.Asn910Lys; replaces asparagine 910 with lysine.
Molecular consequence: missense variant.
Genome position (GRCh38, 1-based): chr5:41,142,900, G>C on the plus strand (C>G on the coding strand, the complement: C6 is on the minus strand). VCF-style: chr5-41142900-G-C. GRCh37 (hg19) VCF-style: chr5-41143002-G-C.
Other names: c.2730C>G, p.Asn910Lys (NM_001115131.4); short protein forms N910K.
Identifiers: ClinVar variation 1515442 (VCV001515442.8), dbSNP rs2150210279, ClinGen allele CA359591973.